The following is an entry in ClinVar:

NM_000988.5(RPL27):c.142C>T (p.Arg48Cys)

Gene: RPL27 (ribosomal protein L27; plus strand). Cytogenetic location: 17q21.31.
Variant type: single nucleotide variant.
Coding change: c.142C>T on transcript NM_000988.5 (MANE Select); coding-DNA position 142, C replaced by T.
Protein change: p.Arg48Cys; replaces arginine 48 with cysteine.
Molecular consequence: missense variant.
Genome position (GRCh38, 1-based): chr17:42,999,993, C>T. VCF-style: chr17-42999993-C-T. GRCh37 (hg19) VCF-style: chr17-41152010-C-T.
Other names: c.142C>T, p.Arg48Cys (NM_001349921.2, NM_001349922.2); short protein forms R48C.
Identifiers: ClinVar variation 2131996 (VCV002131996.4), dbSNP rs1156831484, ClinGen allele CA399676104.

ClinVar aggregate classification (germline): Uncertain significance (1 of 4 stars; one submission).

Allele frequency attached by ClinVar (database versions not stated): TOPMed below 0.00001; gnomAD 0.00001.
gnomAD v4.1: 6 of 1,611,960 alleles (0.00037%); highest among the groups gnomAD compares: Non-Finnish European, 0.00042%; no homozygotes.

Submission:

Labcorp Genetics (formerly Invitae), Labcorp
Classification: Uncertain significance. Last evaluated: 2024-11-30. Review status: criteria provided, single submitter. Criteria: Invitae Variant Classification Sherloc (09022015). Collection method: clinical testing. Allele origin: germline.
Comment: This sequence change replaces arginine, which is basic and polar, with cysteine, which is neutral and slightly polar, at codon 48 of the RPL27 protein (p.Arg48Cys). This variant is present in population databases (no rsID available, gnomAD 0.03%). This variant has not been reported in the literature in individuals affected with RPL27-related conditions. ClinVar contains an entry for this variant (Variation ID: 2131996). An algorithm developed to predict the effect of missense changes on protein structure and function (PolyPhen-2) suggests that this variant is likely to be tolerated. In summary, the available evidence is currently insufficient to determine the role of this variant in disease. Therefore, it has been classified as a Variant of Uncertain Significance.